The following is an entry in ClinVar:

ClinVar aggregate classification (germline): Likely benign. Review status: criteria provided, single submitter (1 of 4 stars). 2 submissions from 2 submitters: Likely benign (1). 1 of the submissions does not count toward it. Last evaluated 2023-04-28.

Conditions:
AMT-related disorder. Also called: AMT-related condition.
Glycine encephalopathy. Also called: Nonketotic hyperglycinemia; Non-ketotic hyperglycinemia. Identifiers: Orphanet 407, MedGen C0751748, MONDO:0011612, HP:0008288.

Allele frequency attached by ClinVar (database versions not stated): gnomAD exomes below 0.00001.
gnomAD v4.1: 2 of 1,614,170 alleles (0.00012%); highest among the groups gnomAD compares: African/African-American, 0.0027%; no homozygotes.

Submissions (2):

Labcorp Genetics (formerly Invitae), Labcorp
Classification: Likely benign for Glycine encephalopathy. Last evaluated: 2023-04-28. Review status: criteria provided, single submitter. Criteria: Invitae Variant Classification Sherloc (09022015). Collection method: clinical testing. Allele origin: germline.

PreventionGenetics, part of Exact Sciences
Classification: Likely benign for AMT-related condition. Last evaluated: 2023-05-16. Review status: no assertion criteria provided. Collection method: clinical testing. Allele origin: germline. Not counted in ClinVar's aggregate classification.
Comment: This variant is classified as likely benign based on ACMG/AMP sequence variant interpretation guidelines (Richards et al. 2015 PMID: 25741868, with internal and published modifications).

NM_000481.4(AMT):c.282G>A (p.Arg94=)

Gene: AMT (aminomethyltransferase; minus strand). Cytogenetic location: 3p21.31.
Variant type: single nucleotide variant.
Coding change: c.282G>A on transcript NM_000481.4 (MANE Select); coding-DNA position 282, G replaced by A.
Protein change: p.Arg94=; no amino-acid change (arginine 94 retained).
Molecular consequence: synonymous variant. On other transcripts: non-coding transcript variant (1).
Genome position (GRCh38, 1-based): chr3:49,421,549, C>T on the plus strand (G>A on the coding strand, the complement: AMT is on the minus strand). VCF-style: chr3-49421549-C-T. GRCh37 (hg19) VCF-style: chr3-49458982-C-T.
Other names: c.282G>A, p.Arg94= (NM_001164710.2, NM_001164712.2); c.114G>A, p.Arg38= (NM_001164711.2).
Identifiers: ClinVar variation 2740884 (VCV002740884.5), dbSNP rs2471158208, ClinGen allele CA433647895.